The following is an entry in ClinVar:

NM_000795.4(DRD2):c.-31-870T>C

Gene: DRD2 (dopamine receptor D2; minus strand). Cytogenetic location: 11q23.2.
Variant type: single nucleotide variant.
Coding change: c.-31-870T>C on transcript NM_000795.4 (MANE Select); 870 bases into the intron before 31 bases upstream of the start codon, T replaced by C.
Molecular consequence: intron variant.
Genome position (GRCh38, 1-based): chr11:113,425,552, A>G on the plus strand (T>C on the coding strand, the complement: DRD2 is on the minus strand). VCF-style: chr11-113425552-A-G. GRCh37 (hg19) VCF-style: chr11-113296274-A-G.
Other names: c.-31-870T>C (NM_016574.4).
Identifiers: ClinVar variation 512982 (VCV000512982.10), dbSNP rs1079598, ClinGen allele CA13509989.

ClinVar aggregate classification (germline): Benign. Review status: criteria provided, multiple submitters, no conflicts (2 of 4 stars). 2 submissions from 2 submitters: Benign (2). Last evaluated 2026-02-03.

Conditions:
Dystonic disorder. Also called: Dystonia. Identifiers: MedGen C0013421, MONDO:0003441, HP:0001332.

Allele frequency attached by ClinVar (database versions not stated): gnomAD 0.15725 and 0.16497; TOPMed 0.16870; 1000 Genomes Project 30x 0.22205; 1000 Genomes Project 0.22784.
gnomAD v4.1: 25,033 of 152,170 alleles (16%); highest among the groups gnomAD compares: East Asian, 41%; 2,547 homozygotes.

Submissions (2):

Labcorp Genetics (formerly Invitae), Labcorp
Classification: Benign for Dystonic disorder. Last evaluated: 2026-02-03. Review status: criteria provided, single submitter. Criteria: Invitae Variant Classification Sherloc (09022015). Collection method: clinical testing. Allele origin: germline.

GeneDx
Classification: Benign. Last evaluated: 2018-03-09. Review status: criteria provided, single submitter. Criteria: GeneDx Variant Classification (06012015). Collection method: clinical testing. Allele origin: germline. Affected: yes.
Comment: This variant is considered likely benign or benign based on one or more of the following criteria: it is a conservative change, it occurs at a poorly conserved position in the protein, it is predicted to be benign by multiple in silico algorithms, and/or has population frequency not consistent with disease.